The following is an entry in ClinVar:

NM_001184900.3(CARD8):c.802G>T (p.Val268Phe)

Gene: CARD8 (caspase recruitment domain family member 8; minus strand). Cytogenetic location: 19q13.33.
Variant type: single nucleotide variant.
Coding change: c.802G>T on transcript NM_001184900.3 (MANE Select); coding-DNA position 802, G replaced by T.
Protein change: p.Val268Phe; replaces valine 268 with phenylalanine.
Molecular consequence: missense variant. On other transcripts: non-coding transcript variant (4).
Genome position (GRCh38, 1-based): chr19:48,230,671, C>A on the plus strand (G>T on the coding strand, the complement: CARD8 is on the minus strand). VCF-style: chr19-48230671-C-A. GRCh37 (hg19) VCF-style: chr19-48733928-C-A.
Other names: c.652G>T, p.Val218Phe (NM_001184901.1, NM_001351783.2, NM_001351788.2 and 2 more transcripts); c.802G>T, p.Val268Phe (NM_001184902.2, NM_001184903.1, NM_001351782.2); c.487G>T, p.Val163Phe (NM_001351784.2, NM_001351787.2, NM_001351791.2 and 1 more transcripts); c.466G>T, p.Val156Phe (NM_001351786.2); c.559G>T, p.Val187Phe (NM_001351790.2); c.484G>T, p.Val162Phe (NM_001365950.1); short protein forms V156F, V162F, V163F, V187F, V218F, V268F.
Identifiers: ClinVar variation 3610212 (VCV003610212.2).

ClinVar aggregate classification (germline): Uncertain significance (1 of 4 stars; one submission).

gnomAD v4.1: 68 of 1,613,880 alleles (0.0042%); highest among the groups gnomAD compares: Non-Finnish European, 0.0057%; no homozygotes.

Submission:

Labcorp Genetics (formerly Invitae), Labcorp
Classification: Uncertain significance. Last evaluated: 2025-10-18. Review status: criteria provided, single submitter. Criteria: Invitae Variant Classification Sherloc (09022015). Collection method: clinical testing. Allele origin: germline.
Comment: This sequence change replaces valine, which is neutral and non-polar, with phenylalanine, which is neutral and non-polar, at codon 218 of the CARD8 protein (p.Val218Phe). This variant is present in population databases (rs201339858, gnomAD 0.007%). This variant has not been reported in the literature in individuals affected with CARD8-related conditions. ClinVar contains an entry for this variant (Variation ID: 3610212). An algorithm developed to predict the effect of missense changes on protein structure and function (PolyPhen-2) suggests that this variant is likely to be disruptive. Algorithms developed to predict the effect of sequence changes on RNA splicing suggest that this variant may create or strengthen a splice site. In summary, the available evidence is currently insufficient to determine the role of this variant in disease. Therefore, it has been classified as a Variant of Uncertain Significance.